The following is an entry in ClinVar:

NM_001278689.2(EOGT):c.308G>T (p.Gly103Val)

Gene: EOGT (EGF domain specific O-linked N-acetylglucosamine transferase; minus strand). Cytogenetic location: 3p14.1.
Variant type: single nucleotide variant.
Coding change: c.308G>T on transcript NM_001278689.2 (MANE Select); coding-DNA position 308, G replaced by T.
Protein change: p.Gly103Val; replaces glycine 103 with valine.
Molecular consequence: missense variant. On other transcripts: non-coding transcript variant (1).
Genome position (GRCh38, 1-based): chr3:69,008,431, C>A on the plus strand (G>T on the coding strand, the complement: EOGT is on the minus strand). VCF-style: chr3-69008431-C-A. GRCh37 (hg19) VCF-style: chr3-69057582-C-A.
Other names: c.308G>T, p.Gly103Val (NM_173654.3); short protein forms G103V.
Identifiers: ClinVar variation 1035062 (VCV001035062.3), dbSNP rs778771949, ClinGen allele CA2486988.
Genomic context (GRCh38, chr3:69,008,431, plus strand): 5'-ACATACACTGTATAGAAAGAGGAAGACTTGAAGAGGGTATTCCATATGGAAACTTACCAT[C>A]CCATGTCGACATAGCTGCAAACTGGGTAACCAAACCTGAACTCTGGTTTGCAGGATTTCT-3'
Protein context (NP_001265618.1, residues 93-113): GYPVCSYVDM[Gly103Val]WTDTLESAED

ClinVar aggregate classification (germline): Uncertain significance (1 of 4 stars; one submission).

Conditions:
Adams-Oliver syndrome 4 (AOS4). Identifiers: Orphanet 974, MedGen C3809092, MONDO:0014124, OMIM 615297.

Allele frequency attached by ClinVar (database versions not stated): ExAC 0.00001; gnomAD 0.00001; gnomAD exomes 0.00002; TOPMed 0.00002.
gnomAD v4.1: 8 of 1,611,226 alleles (0.0005%); highest among the groups gnomAD compares: Admixed American, 0.012%; no homozygotes.

Submission:

Labcorp Genetics (formerly Invitae), Labcorp
Classification: Uncertain significance for Adams-Oliver syndrome 4. Last evaluated: 2022-03-12. Review status: criteria provided, single submitter. Criteria: Invitae Variant Classification Sherloc (09022015). Collection method: clinical testing. Allele origin: germline.
Comment: In summary, the available evidence is currently insufficient to determine the role of this variant in disease. Therefore, it has been classified as a Variant of Uncertain Significance. Algorithms developed to predict the effect of sequence changes on RNA splicing suggest that this variant may create or strengthen a splice site. Algorithms developed to predict the effect of missense changes on protein structure and function are either unavailable or do not agree on the potential impact of this missense change (SIFT: "Deleterious"; PolyPhen-2: "Possibly Damaging"; Align-GVGD: "Class C0"). ClinVar contains an entry for this variant (Variation ID: 1035062). This variant has not been reported in the literature in individuals affected with EOGT-related conditions. This variant is present in population databases (rs778771949, gnomAD 0.02%). This sequence change replaces glycine, which is neutral and non-polar, with valine, which is neutral and non-polar, at codon 103 of the EOGT protein (p.Gly103Val).